The following is an entry in ClinVar:

NM_003001.5(SDHC):c.197_201delinsTCTCT (p.Ala66_Met67delinsValSer)

Gene: SDHC (succinate dehydrogenase complex subunit C; plus strand). Cytogenetic location: 1q23.3.
Variant type: Indel.
Coding change: c.197_201delinsTCTCT on transcript NM_003001.5 (MANE Select); coding-DNA positions 197 to 201, CGATG replaced by TCTCT.
Protein change: p.Ala66_Met67delinsValSer.
Molecular consequence: missense variant.
Genome position (GRCh38, 1-based): chr1:161,340,611-161,340,615, CGATG replaced by TCTCT. VCF-style: chr1-161340611-CGATG-TCTCT. GRCh37 (hg19) VCF-style: chr1-161310401-CGATG-TCTCT.
Other names: c.197_201delCGATGinsTCTCT, p.Ala66_Met67delinsValSer (NM_001035511.3); c.95_99delCGATGinsTCTCT, p.Ala32_Met33delinsValSer (NM_001035512.3, NM_001278172.3, NM_001407118.1); c.38_42delCGATGinsTCTCT, p.Ala13_Met14delinsValSer (NM_001035513.3); c.317_321delCGATGinsTCTCT, p.Ala106_Met107delinsValSer (NM_001407115.1); c.140_144delCGATGinsTCTCT, p.Ala47_Met48delinsValSer (NM_001407116.1, NM_001407117.1, NM_001407121.1); c.86_90delCGATGinsTCTCT, p.Ala29_Met30delinsValSer (NM_001407119.1, NM_001407120.1).
Identifiers: ClinVar variation 1783600 (VCV001783600.2), dbSNP rs2526444781, ClinGen allele CA2580061331.

ClinVar aggregate classification (germline): Uncertain significance (1 of 4 stars; one submission).

Conditions:
Hereditary cancer-predisposing syndrome. Also called: Neoplastic Syndromes, Hereditary; Tumor predisposition; Hereditary Cancer Syndrome; Hereditary neoplastic syndrome. Identifiers: Orphanet 140162, MedGen C0027672, MeSH D009386, MONDO:0015356.

Submission:

Ambry Genetics
Classification: Uncertain significance for Hereditary cancer-predisposing syndrome. Last evaluated: 2021-03-23. Review status: criteria provided, single submitter. Criteria: Ambry Variant Classification Scheme 2023. Collection method: clinical testing. Allele origin: germline.
Comment: The c.197_201delCGATGinsTCTCT variant (also known as p.A66_M67delinsVS), located in coding exon 4 of the SDHC gene, results from an in-frame deletion of CGATG and insertion of TCTCT at nucleotide positions 197 to 201. This results in the substitution of alanine and methionine residues for a valine and serine residue at codon 66 and 67. This amino acid region is not well conserved in available vertebrate species. In addition, the in silico prediction for this alteration is inconclusive (Choi Y et al. PLoS ONE. 2012; 7(10):e46688). Since supporting evidence is limited at this time, the clinical significance of this alteration remains unclear.